The following is an entry in ClinVar:

NM_001278716.2(FBXL4):c.512+298G>A

Gene: FBXL4 (F-box and leucine rich repeat protein 4; minus strand). Cytogenetic location: 6q16.2.
Variant type: single nucleotide variant.
Coding change: c.512+298G>A on transcript NM_001278716.2 (MANE Select); 298 bases into the intron after coding-DNA position 512, G replaced by A.
Molecular consequence: intron variant.
Genome position (GRCh38, 1-based): chr6:98,926,179, C>T on the plus strand (G>A on the coding strand, the complement: FBXL4 is on the minus strand). VCF-style: chr6-98926179-C-T. GRCh37 (hg19) VCF-style: chr6-99374055-C-T.
Other names: c.512+298G>A (NM_012160.5).
Identifiers: ClinVar variation 680583 (VCV000680583.1), dbSNP rs1011674, ClinGen allele CA16274097.
Genomic context (GRCh38, chr6:98,926,179, plus strand): 5'-TTTAAAAGTAGTAACATGATGCCTGTTTGAAAATATTTTCAAAGTCATATTTCGTACTAA[C>T]GTCCCAGAATGGCCCATGTCCCTATGAGTTCAAATTGTGCTTTTTGGTTTTGGTAAATTT-3'

ClinVar aggregate classification (germline): Benign (1 of 4 stars; one submission).

Allele frequency attached by ClinVar (database versions not stated): 1000 Genomes Project 0.25799; 1000 Genomes Project 30x 0.26390; TOPMed 0.35536; gnomAD 0.35867 and 0.36801.
gnomAD v4.1: 54,441 of 151,950 alleles (36%); highest among the groups gnomAD compares: Middle Eastern, 46%; 10,275 homozygotes.

Submission:

GeneDx
Classification: Benign. Last evaluated: 2018-06-14. Review status: criteria provided, single submitter. Criteria: GeneDx Variant Classification (06012015). Collection method: clinical testing. Allele origin: germline. Affected: yes.
Comment: This variant is considered likely benign or benign based on one or more of the following criteria: it is a conservative change, it occurs at a poorly conserved position in the protein, it is predicted to be benign by multiple in silico algorithms, and/or has population frequency not consistent with disease.